The following is an entry in ClinVar:

ClinVar aggregate classification (germline): Uncertain significance (1 of 4 stars; one submission).

Conditions:
KIF1A-related disorder. Also called: KIF1A-related disorders; KIF1A-related condition.

Allele frequency attached by ClinVar (database versions not stated): gnomAD 0.00001.
gnomAD v4.1: 2 of 1,605,424 alleles (0.00012%); highest among the groups gnomAD compares: Non-Finnish European, 0.00017%; no homozygotes.

Submission:

PreventionGenetics, part of Exact Sciences
Classification: Uncertain significance for KIF1A-related condition. Last evaluated: 2023-03-06. Review status: criteria provided, single submitter. Criteria: ACMG Guidelines, 2015. Collection method: clinical testing. Allele origin: germline.
Comment: The KIF1A c.5230G>A variant is predicted to result in the amino acid substitution p.Ala1744Thr. To our knowledge, this variant has not been reported in the literature. This variant is reported in 0.0065% of alleles in individuals of European (Non-Finnish) descent in gnomAD. At this time, the clinical significance of this variant is uncertain due to the absence of conclusive functional and genetic evidence.

NM_001244008.2(KIF1A):c.5230G>A (p.Ala1744Thr)

Gene: KIF1A (kinesin family member 1A; minus strand). Cytogenetic location: 2q37.3.
Variant type: single nucleotide variant.
Coding change: c.5230G>A on transcript NM_001244008.2 (MANE Select); coding-DNA position 5230, G replaced by A.
Protein change: p.Ala1744Thr; replaces alanine 1744 with threonine.
Molecular consequence: missense variant.
Genome position (GRCh38, 1-based): chr2:240,718,153, C>T on the plus strand (G>A on the coding strand, the complement: KIF1A is on the minus strand). VCF-style: chr2-240718153-C-T. GRCh37 (hg19) VCF-style: chr2-241657570-C-T.
Other names: c.4954G>A, p.Ala1652Thr (NM_001320705.2, NM_001379649.1); c.4981G>A, p.Ala1661Thr (NM_001330289.2); c.5029G>A, p.Ala1677Thr (NM_001330290.2, NM_001379648.1); c.5305G>A, p.Ala1769Thr (NM_001379631.1); c.5206G>A, p.Ala1736Thr (NM_001379632.1); c.5203G>A, p.Ala1735Thr (NM_001379633.1, NM_001379645.1); c.5056G>A, p.Ala1686Thr (NM_001379634.1); c.5053G>A, p.Ala1685Thr (NM_001379635.1, NM_001379646.1); and 8 more; short protein forms A1631T, A1642T, A1643T, A1651T, A1652T, A1660T, A1661T, A1668T.
Identifiers: ClinVar variation 2633470 (VCV002633470.1), dbSNP rs1332752420, ClinGen allele CA351297610.